The following is an entry in ClinVar:

ClinVar aggregate classification (germline): Uncertain significance (1 of 4 stars; one submission).

Conditions:
Immunodeficiency 39 (IMD39). Identifiers: Orphanet 574918, MedGen C4225358, MONDO:0014597, OMIM 616345.

Allele frequency attached by ClinVar (database versions not stated): gnomAD 0.00001.
gnomAD v4.1: 7 of 1,613,172 alleles (0.00043%); highest among the groups gnomAD compares: East Asian, 0.0045%; no homozygotes.

Submission:

Labcorp Genetics (formerly Invitae), Labcorp
Classification: Uncertain significance for Immunodeficiency 39. Last evaluated: 2024-01-25. Review status: criteria provided, single submitter. Criteria: Invitae Variant Classification Sherloc (09022015). Collection method: clinical testing. Allele origin: germline.
Comment: This sequence change replaces glutamic acid, which is acidic and polar, with lysine, which is basic and polar, at codon 506 of the IRF7 protein (p.Glu506Lys). The frequency data for this variant in the population databases is considered unreliable, as metrics indicate poor data quality at this position in the gnomAD database. This variant has not been reported in the literature in individuals affected with IRF7-related conditions. An algorithm developed to predict the effect of missense changes on protein structure and function (PolyPhen-2) suggests that this variant is likely to be disruptive. In summary, the available evidence is currently insufficient to determine the role of this variant in disease. Therefore, it has been classified as a Variant of Uncertain Significance.

NM_001572.5(IRF7):c.1477G>A (p.Glu493Lys)

Gene: IRF7 (interferon regulatory factor 7; minus strand). Cytogenetic location: 11p15.5.
Variant type: single nucleotide variant.
Coding change: c.1477G>A on transcript NM_001572.5 (MANE Select); coding-DNA position 1477, G replaced by A.
Protein change: p.Glu493Lys; replaces glutamic acid 493 with lysine.
Molecular consequence: missense variant.
Genome position (GRCh38, 1-based): chr11:612,680, C>T on the plus strand (G>A on the coding strand, the complement: IRF7 is on the minus strand). VCF-style: chr11-612680-C-T. GRCh37 (hg19) VCF-style: chr11-612680-C-T.
Other names: c.1390G>A, p.Glu464Lys (NM_004029.4); c.1516G>A, p.Glu506Lys (NM_004031.4); short protein forms E506K, E464K, E493K.
Identifiers: ClinVar variation 2917929 (VCV002917929.3), dbSNP rs750066562, ClinGen allele CA378975417.
Genomic context (GRCh38, chr11:612,680, plus strand): 5'-TCTGGAGTTCTCATTAGACTGGGTTCTAGGCGGGCTGCTCCAGCTCCATAAGGAAGCACT[C>T]GATGTCGTCATAGAGGCTGTTGGCGCTGGACAGGCAGAGGCTGAGGCTGCTGCTATCCAG-3'
Protein context (NP_001563.2, residues 483-503): SSANSLYDDI[Glu493Lys]CFLMELEQPA